The following is an entry in ClinVar:

NM_000384.3(APOB):c.12758T>C (p.Leu4253Pro)

Gene: APOB (apolipoprotein B; minus strand). Cytogenetic location: 2p24.1.
Variant type: single nucleotide variant.
Coding change: c.12758T>C on transcript NM_000384.3 (MANE Select); coding-DNA position 12758, T replaced by C.
Protein change: p.Leu4253Pro; replaces leucine 4253 with proline.
Molecular consequence: missense variant.
Genome position (GRCh38, 1-based): chr2:21,002,664, A>G on the plus strand (T>C on the coding strand, the complement: APOB is on the minus strand). VCF-style: chr2-21002664-A-G. GRCh37 (hg19) VCF-style: chr2-21225536-A-G.
Other names: short protein forms L4253P.
Identifiers: ClinVar variation 2405399 (VCV002405399.6), dbSNP rs780569169, ClinGen allele CA051009.

ClinVar aggregate classification (germline): Conflicting classifications of pathogenicity. Review status: criteria provided, conflicting classifications (1 of 4 stars). 3 submissions from 3 submitters: Uncertain significance (1); Benign (1); Likely benign (1). Last evaluated 2024-11-27.

Conditions:
Familial hypobetalipoproteinemia 1. Also called: Hypobetalipoproteinemia, normotriglyceridemic; Acanthocytosis with hypobetalipoproteinemia; APOB-Related Familial Hypobetalipoproteinemia. Identifiers: MedGen C4551990, MONDO:0014252, OMIM 615558.
Hypercholesterolemia, autosomal dominant, type B (FHCL2). Also called: Familial hypercholesterolemia 2; Familial Hypercholesterolemia Type B; APOLIPOPROTEIN B-100, FAMILIAL DEFECTIVE; APOLIPOPROTEIN B-100, FAMILIAL LIGAND-DEFECTIVE; HYPERCHOLESTEROLEMIA, FAMILIAL, DUE TO LIGAND-DEFECTIVE APOLIPOPROTEIN B; APOB-Related Familial Hypercholesterolemia, Autosomal Dominant. Identifiers: MedGen C1704417, MONDO:0007751, OMIM 144010.
Cardiovascular phenotype. Identifiers: MedGen CN230736.

Allele frequency attached by ClinVar (database versions not stated): gnomAD exomes 0.00002; TOPMed 0.00002; ExAC 0.00005.
gnomAD v4.1: 12 of 1,613,928 alleles (0.00074%); highest among the groups gnomAD compares: Admixed American, 0.02%; no homozygotes.

Submissions (3):

GeneDx
Classification: Uncertain significance. Last evaluated: 2024-11-27. Review status: criteria provided, single submitter. Criteria: GeneDx Variant Classification Process June 2021. Collection method: clinical testing. Allele origin: germline. Affected: yes.
Comment: In silico analysis supports that this missense variant has a deleterious effect on protein structure/function; Has not been previously published as pathogenic or benign to our knowledge

Ambry Genetics
Classification: Likely benign for Cardiovascular phenotype. Last evaluated: 2024-05-17. Review status: criteria provided, single submitter. Criteria: Ambry Variant Classification Scheme 2023. Collection method: clinical testing. Allele origin: germline.

Labcorp Genetics (formerly Invitae), Labcorp
Classification: Benign for Familial hypobetalipoproteinemia 1; Hypercholesterolemia, autosomal dominant, type B. Last evaluated: 2024-02-01. Review status: criteria provided, single submitter. Criteria: Invitae Variant Classification Sherloc (09022015). Collection method: clinical testing. Allele origin: germline.